The following is an entry in ClinVar:

NM_000540.3(RYR1):c.4443C>T (p.Asn1481=)

Gene: RYR1 (ryanodine receptor 1; plus strand). Cytogenetic location: 19q13.2.
Variant type: single nucleotide variant.
Coding change: c.4443C>T on transcript NM_000540.3 (MANE Select); coding-DNA position 4443, C replaced by T.
Protein change: p.Asn1481=; no amino-acid change (asparagine 1481 retained).
Molecular consequence: synonymous variant.
Genome position (GRCh38, 1-based): chr19:38,477,859, C>T. VCF-style: chr19-38477859-C-T. GRCh37 (hg19) VCF-style: chr19-38968499-C-T.
Other names: c.4443C>T, p.Asn1481= (NM_001042723.2).
Identifiers: ClinVar variation 93270 (VCV000093270.60), dbSNP rs141317474, ClinGen allele CA024443.

ClinVar aggregate classification (germline): Benign/Likely benign. Review status: criteria provided, multiple submitters, no conflicts (2 of 4 stars). 15 submissions from 14 submitters: Benign (9); Likely benign (4). 2 of the submissions do not count toward it. Last evaluated 2026-09-01.

Conditions:
Congenital multicore myopathy with external ophthalmoplegia (CMYO1B). Also called: Congenital myopathy 1B, autosomal recessive; Minicore myopathy; MULTICORE MYOPATHY; Minicore myopathy with external ophthalmoplegia; MULTIMINICORE DISEASE WITH EXTERNAL OPHTHALMOPLEGIA. Identifiers: Orphanet 598, Orphanet 98905, MedGen C1850674, MONDO:0009712, OMIM 255320, HP:0003789.
Congenital myopathy with fiber type disproportion. Also called: Congenital fiber-type disproportion myopathy; Congenital fiber-type disproportion. Identifiers: Orphanet 2020, MedGen C0546264, MONDO:0009711. Inheritance: all.
Central core myopathy (CMYO1A). Also called: Central core disease; Myopathy, central fibrillar; CONGENITAL MYOPATHY 1A, AUTOSOMAL DOMINANT, WITH SUSCEPTIBILITY TO MALIGNANT HYPERTHERMIA. Identifiers: Orphanet 597, MedGen C5830701, MONDO:0007294, OMIM 117000.
Malignant hyperthermia, susceptibility to, 1 (MHS1). Also called: Anesthesia related hyperthermia; Malignant hyperpyrexia; Fulminating hyperpyrexia; Pharmacogenic myopathy; RYR1-Related Malignant Hyperthermia Susceptibility; Malignant hyperthermia suceptibility 1. Identifiers: Orphanet 423, MedGen C2930980, MONDO:0007783, OMIM 145600.
King Denborough syndrome (KDS). Identifiers: MedGen C1840365, MONDO:0020485, OMIM 619542.
RYR1-related disorder. Also called: RYR1-related condition; RYR1-related disorders. Identifiers: MedGen CN239331.

Allele frequency attached by ClinVar (database versions not stated): ESP Exome Variant Server 0.00169; TOPMed 0.00223; gnomAD 0.00246 and 0.00277; gnomAD exomes 0.00342 and 0.00397; ExAC 0.00406; 1000 Genomes Project 30x 0.00531; 1000 Genomes Project 0.00579.
gnomAD v4.1: 5,098 of 1,507,230 alleles (0.34%); highest among the groups gnomAD compares: South Asian, 1.1%; 26 homozygotes.

Submissions (15):

CeGaT Center for Human Genetics Tuebingen
Classification: Benign. Last evaluated: 2026-09-01. Review status: criteria provided, single submitter. Criteria: CeGaT Center For Human Genetics Tuebingen Variant Classification Criteria Version 2. Collection method: clinical testing. Allele origin: germline. Affected: yes. Observed: 64 variant alleles.
Comment: RYR1: BP4, BP7, BS1, BS2

Labcorp Genetics (formerly Invitae), Labcorp
Classification: Benign for RYR1-related disorder. Last evaluated: 2026-01-31. Review status: criteria provided, single submitter. Criteria: Invitae Variant Classification Sherloc (09022015). Collection method: clinical testing. Allele origin: germline.

ARUP Laboratories, Molecular Genetics and Genomics, ARUP Laboratories
Classification: Likely benign. Last evaluated: 2025-03-18. Review status: criteria provided, single submitter. Criteria: ARUP Molecular Germline Variant Investigation Process 2024. Collection method: clinical testing. Allele origin: germline.

Blueprint Genetics
Classification: Likely benign. Last evaluated: 2024-11-19. Review status: criteria provided, single submitter. Criteria: ACMG Guidelines, 2015. Collection method: clinical testing. Allele origin: germline.

All of Us Research Program, National Institutes of Health
Classification: Benign for Malignant hyperthermia, susceptibility to, 1. Last evaluated: 2024-02-05. Review status: criteria provided, single submitter. Criteria: ACMG Guidelines, 2015. Collection method: clinical testing. Allele origin: germline. Inheritance: Autosomal dominant inheritance. Observed: 647 variant alleles, 646 heterozygotes, 1 homozygote.
Comment: This study involves interpretation of variants in research participants for the purpose of population health screening. Participant phenotype was not available at the time of variant classification. Additional details can be found in publication PMID: 35346344, PMCID: PMC8962531

Color Diagnostics, LLC DBA Color Health
Classification: Benign for Malignant hyperthermia, susceptibility to, 1. Last evaluated: 2022-09-16. Review status: criteria provided, single submitter. Criteria: ACMG Guidelines, 2015. Collection method: clinical testing. Allele origin: germline.

Fulgent Genetics
Classification: Likely benign for Central core myopathy; Malignant hyperthermia, susceptibility to, 1; Congenital myopathy 4A, autosomal dominant; Congenital multicore myopathy with external ophthalmoplegia; King Denborough syndrome. Last evaluated: 2021-10-21. Review status: criteria provided, single submitter. Criteria: ACMG Guidelines, 2015. Collection method: clinical testing. Allele origin: unknown.

Illumina Laboratory Services, Illumina
Classification: Benign for Congenital multicore myopathy with external ophthalmoplegia. Last evaluated: 2018-01-12. Review status: criteria provided, single submitter. Criteria: ICSL Variant Classification Criteria 13 December 2019. Collection method: clinical testing. Allele origin: germline.
Comment: This variant was observed in the ICSL laboratory as part of a predisposition screen in an ostensibly healthy population. It had not been previously curated by ICSL or reported in the Human Gene Mutation Database (HGMD: prior to June 1st, 2018), and was therefore a candidate for classification through an automated scoring system. Utilizing variant allele frequency, disease prevalence and penetrance estimates, and inheritance mode, an automated score was calculated to assess if this variant is too frequent to cause the disease. Based on the score and internal cut-off values, a variant classified as benign is not then subjected to further curation. The score for this variant resulted in a classification of benign for this disease.

Illumina Laboratory Services, Illumina
Classification: Benign for Malignant hyperthermia, susceptibility to, 1. Last evaluated: 2018-01-12. Review status: criteria provided, single submitter. Criteria: ICSL Variant Classification Criteria 13 December 2019. Collection method: clinical testing. Allele origin: germline.
Comment: the same text as in the submission from Illumina Laboratory Services, Illumina above.

GeneDx
Classification: Benign. Last evaluated: 2016-05-27. Review status: criteria provided, single submitter. Criteria: GeneDx Variant Classification (06012015). Collection method: clinical testing. Allele origin: germline. Affected: yes.
Comment: This variant is considered likely benign or benign based on one or more of the following criteria: it is a conservative change, it occurs at a poorly conserved position in the protein, it is predicted to be benign by multiple in silico algorithms, and/or has population frequency not consistent with disease.

PreventionGenetics, part of Exact Sciences
Classification: Benign. Last evaluated: 2016-01-28. Review status: criteria provided, single submitter. Criteria: ACMG Guidelines, 2015. Collection method: clinical testing. Allele origin: germline.

Eurofins Ntd Llc (ga)
Classification: Benign. Last evaluated: 2013-03-12. Review status: criteria provided, single submitter. Criteria: EGL Classification Definitions 2015. Collection method: clinical testing. Allele origin: germline. Observed: 3 variant alleles, 3 heterozygotes.

Breakthrough Genomics
Classification: Likely benign. Review status: criteria provided, single submitter. Criteria: ACMG Guidelines, 2015. Collection method: not provided. Allele origin: germline. Inheritance: Autosomal recessive inheritance. Affected: yes.

Clinical Genetics DNA and cytogenetics Diagnostics Lab, Erasmus MC, Erasmus Medical Center
Classification: Benign. Review status: no assertion criteria provided. Collection method: clinical testing. Allele origin: germline. Affected: yes. Study: VKGL Data-share Consensus. Not counted in ClinVar's aggregate classification.

Genome Diagnostics Laboratory, University Medical Center Utrecht
Classification: Likely benign. Review status: no assertion criteria provided. Collection method: clinical testing. Allele origin: germline. Affected: yes. Study: VKGL Data-share Consensus. Not counted in ClinVar's aggregate classification.